The following is an entry in ClinVar:

ClinVar aggregate classification (germline): Likely benign. Review status: criteria provided, multiple submitters, no conflicts (2 of 4 stars). 2 submissions from 2 submitters: Likely benign (2). Last evaluated 2017-11-16.

Conditions:
Hereditary cancer-predisposing syndrome. Also called: Hereditary Cancer Syndrome; Hereditary neoplastic syndrome; Neoplastic Syndromes, Hereditary; Tumor predisposition. Identifiers: Orphanet 140162, MedGen C0027672, MeSH D009386, MONDO:0015356.

Submissions (2):

Color Diagnostics, LLC DBA Color Health
Classification: Likely benign for Hereditary cancer-predisposing syndrome. Last evaluated: 2017-11-16. Review status: criteria provided, single submitter. Criteria: ACMG Guidelines, 2015. Collection method: clinical testing. Allele origin: germline.

GeneDx
Classification: Likely benign. Last evaluated: 2016-12-15. Review status: criteria provided, single submitter. Criteria: GeneDx Variant Classification (06012015). Collection method: clinical testing. Allele origin: germline. Affected: yes.
Comment: This variant is considered likely benign or benign based on one or more of the following criteria: it is a conservative change, it occurs at a poorly conserved position in the protein, it is predicted to be benign by multiple in silico algorithms, and/or has population frequency not consistent with disease.

NM_004360.5(CDH1):c.388-16T>A

Gene: CDH1 (cadherin 1; plus strand). Cytogenetic location: 16q22.1.
Variant type: single nucleotide variant.
Coding change: c.388-16T>A on transcript NM_004360.5 (MANE Select); 16 bases into the intron before coding-DNA position 388, T replaced by A.
Molecular consequence: intron variant.
Genome position (GRCh38, 1-based): chr16:68,808,408, T>A. VCF-style: chr16-68808408-T-A. GRCh37 (hg19) VCF-style: chr16-68842311-T-A.
Other names: c.-1228-16T>A (NM_001317185.2); c.-1432-16T>A (NM_001317186.2); c.388-16T>A (NM_001317184.2, LRG_301t1).
Identifiers: ClinVar variation 388797 (VCV000388797.3), dbSNP rs1057523230, ClinGen allele CA16607343.